The following is an entry in ClinVar:

ClinVar aggregate classification (germline): Pathogenic (1 of 4 stars; one submission).

Conditions:
Neuropathy, hereditary sensory, type 2C. Also called: KIF1A-Related HSAN2 (HSAN2C); Hereditary sensory and autonomic neuropathy type IIC. Identifiers: Orphanet 970, MedGen C3280168, MONDO:0013634, OMIM 614213.
Hereditary spastic paraplegia 30. Identifiers: Orphanet 101010, MedGen C5235139, MONDO:0012476.
Intellectual disability, autosomal dominant 9 (NESCAVS). Also called: KIF1A-Related Neurodevelopmental Disorder; NESCAV SYNDROME. Identifiers: Orphanet 662367, MedGen C5393830, MONDO:0013656, OMIM 614255.

Submission:

Labcorp Genetics (formerly Invitae), Labcorp
Classification: Pathogenic for Hereditary spastic paraplegia 30; Neuropathy, hereditary sensory, type 2C; Intellectual disability, autosomal dominant 9. Last evaluated: 2024-08-20. Review status: criteria provided, single submitter. Criteria: Invitae Variant Classification Sherloc (09022015). Collection method: clinical testing. Allele origin: germline.
Comment: This sequence change creates a premature translational stop signal (p.Gln1448Serfs*45) in the KIF1A gene. It is expected to result in an absent or disrupted protein product. Loss-of-function variants in KIF1A are known to be pathogenic (PMID: 21820098). This variant is not present in population databases (gnomAD no frequency). This variant has not been reported in the literature in individuals affected with KIF1A-related conditions. For these reasons, this variant has been classified as Pathogenic.

Literature cited by the submitters: PubMed 21820098.

NM_001244008.2(KIF1A):c.4645_4660del (p.Gln1549fs)

Gene: KIF1A (kinesin family member 1A; minus strand). Cytogenetic location: 2q37.3.
Variant type: Deletion.
Coding change: c.4645_4660del on transcript NM_001244008.2 (MANE Select); coding-DNA positions 4645 to 4660, 16 bases deleted (CAGCGGGAGCTGGCCG).
Protein change: p.Gln1549fs; shifts the reading frame from glutamine 1549.
Molecular consequence: frameshift variant.
Genome position (GRCh38, 1-based): chr2:240,722,461-240,722,476, CGGCCAGCTCCCGCTG deleted on the plus strand (CAGCGGGAGCTGGCCG on the coding strand, the reverse complement: KIF1A is on the minus strand); deleting any 16 consecutive bases within chr2:240,722,461-240,722,477 gives the same sequence; the c. name uses the placement nearest the transcript's 3' end. VCF-style (leftmost placement, unchanged base first): chr2-240722460-ACGGCCAGCTCCCGCTG-A. GRCh37 (hg19) VCF-style: chr2-241661877-ACGGCCAGCTCCCGCTG-A.
Other names: c.4369_4384del, p.Gln1457fs (NM_001320705.2, NM_001379649.1); c.4396_4411del, p.Gln1466fs (NM_001330289.2); c.4444_4459del, p.Gln1482fs (NM_001330290.2, NM_001379648.1); c.4720_4735del, p.Gln1574fs (NM_001379631.1); c.4621_4636del, p.Gln1541fs (NM_001379632.1); c.4618_4633del, p.Gln1540fs (NM_001379633.1, NM_001379645.1); c.4471_4486del, p.Gln1491fs (NM_001379634.1); c.4468_4483del, p.Gln1490fs (NM_001379635.1, NM_001379646.1); and 7 more; short protein forms Q1447fs, Q1448fs, Q1456fs, Q1457fs, Q1465fs, Q1466fs, Q1473fs, Q1482fs.
Identifiers: ClinVar variation 3757757 (VCV003757757.2).
Genomic context (GRCh38, chr2:240,722,460, plus strand): 5'-CTCAGGGCCCTTGAGGGCCTGGGGCTACGGCTGTACTGCCCACCAGCTGGACCCACCTTG[ACGGCCAGCTCCCGCTG>A]CCTCTCGTTGGGAGCCTCCAGGGGTGATGGGCGGCCCTCAGCCGAGAGCGGGGAGGAGGC-3'